The following is an entry in ClinVar:

NM_000179.3(MSH6):c.3117C>T (p.Asn1039=)

Gene: MSH6 (mutS homolog 6; plus strand). Cytogenetic location: 2p16.3.
Variant type: single nucleotide variant.
Coding change: c.3117C>T on transcript NM_000179.3 (MANE Select); coding-DNA position 3117, C replaced by T.
Protein change: p.Asn1039=; no amino-acid change (asparagine 1039 retained).
Molecular consequence: synonymous variant.
Genome position (GRCh38, 1-based): chr2:47,801,100, C>T. VCF-style: chr2-47801100-C-T. GRCh37 (hg19) VCF-style: chr2-48028239-C-T.
Other names: c.2727C>T, p.Asn909= (NM_001281492.2); c.2211C>T, p.Asn737= (NM_001281493.2, NM_001281494.2).
Identifiers: ClinVar variation 479953 (VCV000479953.18), dbSNP rs1553414533, ClinGen allele CA426121993.
Genomic context (GRCh38, chr2:47,801,100, plus strand): 5'-AAATGCTGAAGAACGGAGGGATGTATCATTGAAGGACTGCATGCGGCGACTGTTCTATAA[C>T]TTTGATAAAAATTACAAGGACTGGCAGTCTGCTGTAGAGTGTATCGCAGTGTTGGGTAAG-3'
Protein context (NP_000170.1, residues 1029-1049): LKDCMRRLFY[Asn1039=]FDKNYKDWQS

ClinVar aggregate classification (germline): Benign/Likely benign. Review status: criteria provided, multiple submitters, no conflicts (2 of 4 stars). 4 submissions from 4 submitters: Benign (1); Likely benign (3). Last evaluated 2025-01-03.

Conditions:
Hereditary nonpolyposis colorectal neoplasms. Identifiers: MedGen C0009405, MeSH D003123.
Hereditary cancer-predisposing syndrome. Also called: Hereditary Cancer Syndrome; Neoplastic Syndromes, Hereditary; Tumor predisposition; Hereditary neoplastic syndrome. Identifiers: Orphanet 140162, MedGen C0027672, MeSH D009386, MONDO:0015356.
Lynch syndrome 5 (LYNCH5). Also called: Colorectal cancer, hereditary nonpolyposis, type 5; Hereditary non-polyposis colorectal cancer, type 5. Identifiers: Orphanet 144, MedGen C1833477, MONDO:0013710, OMIM 614350. Disease mechanism: loss of function.

Submissions (4):

Myriad Genetics, Inc.
Classification: Benign for Lynch syndrome 5. Last evaluated: 2025-01-03. Review status: criteria provided, single submitter. Criteria: Myriad Autosomal Dominant, Autosomal Recessive and X-Linked Classification Criteria (2023). Collection method: clinical testing. Allele origin: unknown.
Comment: This variant is considered benign. This variant is a silent/synonymous amino acid change and it is not expected to impact splicing.

Color Diagnostics, LLC DBA Color Health
Classification: Likely benign for Hereditary cancer-predisposing syndrome. Last evaluated: 2023-11-29. Review status: criteria provided, single submitter. Criteria: ACMG Guidelines, 2015. Collection method: clinical testing. Allele origin: germline.

Labcorp Genetics (formerly Invitae), Labcorp
Classification: Likely benign for Hereditary nonpolyposis colorectal neoplasms. Last evaluated: 2022-03-11. Review status: criteria provided, single submitter. Criteria: Invitae Variant Classification Sherloc (09022015). Collection method: clinical testing. Allele origin: germline.

Ambry Genetics
Classification: Likely benign for Hereditary cancer-predisposing syndrome. Last evaluated: 2017-02-28. Review status: criteria provided, single submitter. Criteria: Ambry Variant Classification Scheme 2023. Collection method: clinical testing. Allele origin: germline.